The following is an entry in ClinVar:

ClinVar aggregate classification (germline): Conflicting classifications of pathogenicity. Review status: criteria provided, conflicting classifications (1 of 4 stars). 17 submissions from 17 submitters: Uncertain significance (1); Benign (5); Likely benign (7). 4 of the submissions do not count toward it. Last evaluated 2026-02-01.

Conditions:
Cardiovascular phenotype. Identifiers: MedGen CN230736.
Walker-Warburg congenital muscular dystrophy. Also called: Muscular dystrophy-dystroglycanopathy, type A; Walker-Warburg syndrome. Identifiers: Orphanet 899, MedGen C0265221, MONDO:0000171.
Autosomal recessive limb-girdle muscular dystrophy type 2I. Also called: MUSCULAR DYSTROPHY-DYSTROGLYCANOPATHY (LIMB-GIRDLE), TYPE C, 5; MUSCULAR DYSTROPHY, LIMB-GIRDLE, TYPE 2I; MUSCULAR DYSTROPHY-DYSTROGLYCANOPATHY, LIMB-GIRDLE, FRKP-RELATED. Identifiers: Orphanet 34515, MedGen C1846672, MONDO:0011787, OMIM 607155.

Allele frequency attached by ClinVar (database versions not stated): gnomAD exomes 0.00103; ExAC 0.00159; gnomAD 0.00400 and 0.00435; TOPMed 0.00438; 1000 Genomes Project 0.00439; 1000 Genomes Project 30x 0.00484.
gnomAD v4.1: 1,223 of 1,590,552 alleles (0.077%); highest among the groups gnomAD compares: African/African-American, 1.5%; 3 homozygotes.

Submissions (17):

Labcorp Genetics (formerly Invitae), Labcorp
Classification: Benign for Walker-Warburg congenital muscular dystrophy. Last evaluated: 2026-02-01. Review status: criteria provided, single submitter. Criteria: Invitae Variant Classification Sherloc (09022015). Collection method: clinical testing. Allele origin: germline.

Women's Health and Genetics/Laboratory Corporation of America, LabCorp
Classification: Likely benign. Last evaluated: 2025-07-28. Review status: criteria provided, single submitter. Criteria: LabCorp Variant Classification Summary - May 2015. Collection method: clinical testing. Allele origin: germline.
Comment: Variant summary: FKRP c.235G>A (p.Val79Met) results in a conservative amino acid change in the encoded protein sequence. Algorithms developed to predict the effect of missense changes on protein structure and function are either unavailable or do not agree on the potential impact of this missense change. The variant allele was found at a frequency of 0.00077 in 1590552 control chromosomes, predominantly at a frequency of 0.015 within the African or African-American subpopulation in the gnomAD database, including 3 homozygotes. The observed variant frequency within African or African-American control individuals in the gnomAD database is approximately 6 fold of the estimated maximal expected allele frequency for a pathogenic variant in FKRP causing Limb-Girdle Muscular Dystrophy, Autosomal Recessive phenotype (0.0024), strongly suggesting that the variant is a benign polymorphism found primarily in populations of African or African-American origin. ClinVar contains an entry for this variant (Variation ID: 4229). Based on the evidence outlined above, the variant was classified as likely benign.

CeGaT Center for Human Genetics Tuebingen
Classification: Benign. Last evaluated: 2025-07-01. Review status: criteria provided, single submitter. Criteria: CeGaT Center For Human Genetics Tuebingen Variant Classification Criteria Version 2. Collection method: clinical testing. Allele origin: germline. Affected: yes. Observed: 1 variant allele.
Comment: FKRP: BS1, BS2

Molecular Diagnostic Laboratory for Inherited Cardiovascular Disease, Montreal Heart Institute
Classification: Likely benign. Last evaluated: 2025-04-09. Review status: criteria provided, single submitter. Criteria: ACMG Guidelines, 2015. Collection method: clinical testing. Allele origin: germline. Affected: no.
Comment: BS1;BP6

Mayo Clinic Laboratories, Mayo Clinic
Classification: Likely benign. Last evaluated: 2024-12-30. Review status: criteria provided, single submitter. Criteria: ACMG Guidelines, 2015. Collection method: clinical testing. Allele origin: germline. Observed: 13 variant alleles.
Comment: BS1

Blueprint Genetics
Classification: Likely benign. Last evaluated: 2024-11-01. Review status: criteria provided, single submitter. Criteria: ACMG Guidelines, 2015. Collection method: clinical testing. Allele origin: germline.

Athena Diagnostics
Classification: Benign. Last evaluated: 2024-05-20. Review status: criteria provided, single submitter. Criteria: Athena Diagnostics Criteria. Collection method: clinical testing. Allele origin: unknown.

GeneDx
Classification: Benign. Last evaluated: 2020-02-17. Review status: criteria provided, single submitter. Criteria: GeneDx Variant Classification Process June 2021. Collection method: clinical testing. Allele origin: germline. Affected: yes.
Comment: This variant is associated with the following publications: (PMID: 22995991, 18645206, 17113772, 14647208, 25898921)

Ambry Genetics
Classification: Likely benign for Cardiovascular phenotype. Last evaluated: 2019-03-20. Review status: criteria provided, single submitter. Criteria: Ambry Variant Classification Scheme 2023. Collection method: clinical testing. Allele origin: germline.

ARUP Laboratories, Molecular Genetics and Genomics, ARUP Laboratories
Classification: Uncertain significance. Last evaluated: 2018-10-23. Review status: criteria provided, single submitter. Criteria: ARUP Molecular Germline Variant Investigation Process. Collection method: clinical testing. Allele origin: germline.
Comment: The FKRP c.235G>A; p.Val79Met variant (rs104894683) is reported in several individuals affected with limb girdle muscular dystrophy (de Paula 2003), including three siblings that carried the p.Val79Met variant in trans to a nonsense variant (Vieira 2006). Of the three siblings, two were severely affected and also carried a p.Pro89Ala variant, which was not identified in the third mildly affected sibling (Vieira 2006). The p.Val79Met variant is reported in ClinVar (Variation ID: 4229) and is found in the African population with an overall allele frequency of 1.5% (320/21382 alleles, including one homozygote) in the Genome Aggregation Database. The valine at codon 79 is moderately conserved, but computational analyses (SIFT: damaging, PolyPhen-2: benign) predict conflicting effects of this variant on protein structure/function. Due to conflicting information, the clinical significance of the p.Val79Met variant is uncertain at this time. References: de Paula F et al. Asymptomatic carriers for homozygous novel mutations in the FKRP gene: the other end of the spectrum. Eur J Hum Genet. 2003 Dec;11(12):923-30. Vieira NM et al. Mutation analysis in the FKRP gene provides an explanation for a rare cause of intrafamilial clinical variability in LGMD2I. Neuromuscul Disord. 2006 Dec;16(12):870-3.

Center for Pediatric Genomic Medicine, Children's Mercy Hospital and Clinics
Classification: Likely benign. Last evaluated: 2017-05-03. Review status: criteria provided, single submitter. Criteria: ACMG Guidelines, 2015. Collection method: clinical testing. Allele origin: germline.

Eurofins Ntd Llc (ga)
Classification: Benign. Last evaluated: 2017-04-12. Review status: criteria provided, single submitter. Criteria: EGL Classification Definitions 2015. Collection method: clinical testing. Allele origin: germline. Observed: 3 variant alleles, 3 heterozygotes.

Genetic Services Laboratory, University of Chicago
Classification: Likely benign. Last evaluated: 2015-12-31. Review status: criteria provided, single submitter. Criteria: ACMG Guidelines, 2015. Collection method: clinical testing. Allele origin: germline. Affected: no.

Natera, Inc.
Classification: Benign for Limb-girdle muscular dystrophy type 2I. Last evaluated: 2020-01-10. Review status: no assertion criteria provided. Collection method: clinical testing. Allele origin: germline. Not counted in ClinVar's aggregate classification.

OMIM
Classification: Pathogenic for MUSCULAR DYSTROPHY-DYSTROGLYCANOPATHY (LIMB-GIRDLE), TYPE C, 5. Last evaluated: 2003-12-01. Review status: no assertion criteria provided. Collection method: literature only. Allele origin: germline. Not counted in ClinVar's aggregate classification.

Clinical Genetics, Academic Medical Center
Classification: Benign. Review status: no assertion criteria provided. Collection method: clinical testing. Allele origin: germline. Affected: yes. Study: VKGL Data-share Consensus. Not counted in ClinVar's aggregate classification.

Laboratory of Diagnostic Genome Analysis, Leiden University Medical Center (LUMC)
Classification: Likely benign. Review status: no assertion criteria provided. Collection method: clinical testing. Allele origin: germline. Affected: yes. Study: VKGL Data-share Consensus. Not counted in ClinVar's aggregate classification.

Literature cited by the submitters: PubMed 14647208 (cited by 4 submitters); PubMed 37154180 (cited by Mayo Clinic Laboratories, Mayo Clinic); PubMed 37510298 (cited by Mayo Clinic Laboratories, Mayo Clinic); PubMed 22995991 (cited by Athena Diagnostics and Ambry Genetics); PubMed 17113772 (cited by Athena Diagnostics and Ambry Genetics); PubMed 18645206 (cited by Athena Diagnostics and Ambry Genetics).

NM_024301.5(FKRP):c.235G>A (p.Val79Met)

Gene: FKRP (fukutin related protein; plus strand). Cytogenetic location: 19q13.32.
Variant type: single nucleotide variant.
Coding change: c.235G>A on transcript NM_024301.5 (MANE Select); coding-DNA position 235, G replaced by A.
Protein change: p.Val79Met; replaces valine 79 with methionine.
Molecular consequence: missense variant.
Genome position (GRCh38, 1-based): chr19:46,755,685, G>A. VCF-style: chr19-46755685-G-A. GRCh37 (hg19) VCF-style: chr19-47258942-G-A.
Other names: c.235G>A, p.Val79Met (NM_001039885.3); short protein forms V79M.
Identifiers: ClinVar variation 4229 (VCV000004229.49), dbSNP rs104894683, ClinGen allele CA116716.